The following is an entry in ClinVar:

NM_020911.2(PLXNA4):c.1435G>A (p.Gly479Ser)

Gene: PLXNA4 (plexin A4; minus strand). Cytogenetic location: 7q32.3.
Variant type: single nucleotide variant.
Coding change: c.1435G>A on transcript NM_020911.2 (MANE Select); coding-DNA position 1435, G replaced by A.
Protein change: p.Gly479Ser; replaces glycine 479 with serine.
Molecular consequence: missense variant.
Genome position (GRCh38, 1-based): chr7:132,298,159, C>T on the plus strand (G>A on the coding strand, the complement: PLXNA4 is on the minus strand). VCF-style: chr7-132298159-C-T. GRCh37 (hg19) VCF-style: chr7-131982918-C-T.
Other names: c.1435G>A, p.Gly479Ser (NM_001393897.1); short protein forms G479S.
Identifiers: ClinVar variation 4993972 (VCV004993972.1).
Genomic context (GRCh38, chr7:132,298,159, plus strand): 5'-CTGACATGATGTAGAGTTGCTCGTGGTCCTTGGAGAAGGCCATATCCCGGAGGACTGGGC[C>T]GGGGTCCACCACCTGCACCGTCTCATACTGGAGGGCGTTGCCCCTGGGTCCATCCACCCG-3'
Protein context (NP_065962.1, residues 469-489): QYETVQVVDP[Gly479Ser]PVLRDMAFSK

ClinVar aggregate classification (germline): Uncertain significance (1 of 4 stars; one submission).

Conditions:
PLXNA4-related disorder. Also called: PLXNA4-related condition.

gnomAD v4.1: 11 of 1,614,018 alleles (0.00068%); highest among the groups gnomAD compares: South Asian, 0.0033%; no homozygotes.

Submission:

PreventionGenetics, part of Exact Sciences
Classification: Uncertain significance for PLXNA4-related condition. Last evaluated: 2025-11-06. Review status: criteria provided, single submitter. Criteria: ACMG Guidelines, 2015. Collection method: clinical testing. Allele origin: germline.
Comment: The PLXNA4 c.1435G>A variant is predicted to result in the amino acid substitution p.Gly479Ser. To our knowledge, this variant has not been reported in the literature or in a large population database (gnomAD), indicating this variant is rare. At this time, the clinical significance of this variant is uncertain due to the absence of conclusive functional and genetic evidence.